The following is an entry in ClinVar:

NM_005585.5(SMAD6):c.1412G>A (p.Gly471Asp)

Gene: SMAD6 (SMAD family member 6; plus strand). Cytogenetic location: 15q22.31.
Variant type: single nucleotide variant.
Coding change: c.1412G>A on transcript NM_005585.5 (MANE Select); coding-DNA position 1412, G replaced by A.
Protein change: p.Gly471Asp; replaces glycine 471 with aspartic acid.
Molecular consequence: missense variant. On other transcripts: non-coding transcript variant (1).
Genome position (GRCh38, 1-based): chr15:66,781,456, G>A. VCF-style: chr15-66781456-G-A. GRCh37 (hg19) VCF-style: chr15-67073794-G-A.
Other names: short protein forms G471D.
Identifiers: ClinVar variation 690428 (VCV000690428.6), dbSNP rs1595805424, ClinGen allele CA393202483.

ClinVar aggregate classification (germline): Uncertain significance. Review status: criteria provided, single submitter (1 of 4 stars). 3 submissions from 3 submitters: Uncertain significance (1). 2 of the submissions do not count toward it. Last evaluated 2024-09-09.

Conditions:
Radioulnar synostosis, nonsyndromic, susceptibility to. Identifiers: MedGen C5241445, MONDO:0100183, OMIM 179300.
Radioulnar synostosis. Also called: Congenital radioulnar synostosis. Identifiers: Orphanet 3269, MedGen C0158761, MONDO:0017985, HP:0002974.

gnomAD v4.1: 1 of 1,604,356 alleles (0.000062%); highest among the groups gnomAD compares: South Asian, 0.0011%; no homozygotes.

Submissions (3):

GeneDx
Classification: Uncertain significance. Last evaluated: 2024-09-09. Review status: criteria provided, single submitter. Criteria: GeneDx Variant Classification Process June 2021. Collection method: clinical testing. Allele origin: germline. Affected: yes.
Comment: Not observed at significant frequency in large population cohorts (gnomAD); In silico analysis supports that this missense variant has a deleterious effect on protein structure/function; This variant is associated with the following publications: (PMID: 31138930)

OMIM
Classification: risk factor for RADIOULNAR SYNOSTOSIS, NONSYNDROMIC, SUSCEPTIBILITY TO. Last evaluated: 2020-05-27. Review status: no assertion criteria provided. Collection method: literature only. Allele origin: germline. Not counted in ClinVar's aggregate classification.

The Laboratory of Genetics and Metabolism, Hunan Children’s Hospital
Classification: Uncertain significance for radioulnar synostosis. Last evaluated: 2019-05-14. Review status: no assertion criteria provided. Collection method: case-control. Allele origin: paternal, unknown. Affected: yes. Not counted in ClinVar's aggregate classification.
Comment: PVS1, PM2, PP4, BS4

Literature cited by the submitters: PubMed 31138930 (cited by OMIM).